The following is an entry in ClinVar:

NM_000552.5(VWF):c.6210G>C (p.Leu2070=)

Gene: VWF (von Willebrand factor; minus strand). Cytogenetic location: 12p13.31.
Variant type: single nucleotide variant.
Coding change: c.6210G>C on transcript NM_000552.5 (MANE Select); coding-DNA position 6210, G replaced by C.
Protein change: p.Leu2070=; no amino-acid change (leucine 2070 retained).
Molecular consequence: synonymous variant.
Genome position (GRCh38, 1-based): chr12:5,994,461, C>G on the plus strand (G>C on the coding strand, the complement: VWF is on the minus strand). VCF-style: chr12-5994461-C-G. GRCh37 (hg19) VCF-style: chr12-6103627-C-G.
Identifiers: ClinVar variation 4823045 (VCV004823045.4).

ClinVar aggregate classification (germline): Likely benign (1 of 4 stars; one submission).

Submission:

CeGaT Center for Human Genetics Tuebingen
Classification: Likely benign. Last evaluated: 2026-01-01. Review status: criteria provided, single submitter. Criteria: CeGaT Center For Human Genetics Tuebingen Variant Classification Criteria Version 2. Collection method: clinical testing. Allele origin: germline. Affected: yes. Observed: 1 variant allele.
Comment: VWF: PM2:Supporting, BP4, BP7